The following is an entry in ClinVar:

NM_003873.7(NRP1):c.1698C>T (p.Pro566=)

Gene: NRP1 (neuropilin 1; minus strand). Cytogenetic location: 10p11.22.
Variant type: single nucleotide variant.
Coding change: c.1698C>T on transcript NM_003873.7 (MANE Select); coding-DNA position 1698, C replaced by T.
Protein change: p.Pro566=; no amino-acid change (proline 566 retained).
Molecular consequence: synonymous variant. On other transcripts: non-coding transcript variant (1).
Genome position (GRCh38, 1-based): chr10:33,207,633, G>A on the plus strand (C>T on the coding strand, the complement: NRP1 is on the minus strand). VCF-style: chr10-33207633-G-A. GRCh37 (hg19) VCF-style: chr10-33496561-G-A.
Other names: c.1698C>T, p.Pro566= (NM_001024628.3, NM_001024629.3, NM_001244972.2 and 2 more transcripts).
Identifiers: ClinVar variation 4979450 (VCV004979450.1).
Genomic context (GRCh38, chr10:33,207,633, plus strand): 5'-TTCCACTTCACAGCCCAGCAGCTCCATTCTGAGCCCCAGTCCGCCATGAGTGGCTCTCTC[G>A]GGGTAGATCCTGATGAATCGCGTGGAGAGAGCTGGAAAAGTCCGCAGCTCAGGTGTATCA-3'
Protein context (NP_003864.5, residues 556-576): ALSTRFIRIY[Pro566=]ERATHGGLGL

ClinVar aggregate classification (germline): Likely benign (1 of 4 stars; one submission).

Conditions:
NRP1-related disorder. Also called: NRP1-related condition.

gnomAD v4.1: 26 of 1,614,052 alleles (0.0016%); highest among the groups gnomAD compares: East Asian, 0.0022%; no homozygotes.

Submission:

PreventionGenetics, part of Exact Sciences
Classification: Likely benign for NRP1-related condition. Last evaluated: 2026-08-07. Review status: criteria provided, single submitter. Criteria: ACMG Guidelines, 2015. Collection method: clinical testing. Allele origin: germline.
Comment: This variant is classified as likely benign based on ACMG/AMP sequence variant interpretation guidelines (Richards et al. 2015 PMID: 25741868, with internal and published modifications).